The following is an entry in ClinVar:

ClinVar aggregate classification (germline): Uncertain significance (1 of 4 stars; one submission).

Submission:

Mayo Clinic Laboratories, Mayo Clinic
Classification: Uncertain significance. Last evaluated: 2025-09-13. Review status: criteria provided, single submitter. Criteria: ACMG Guidelines, 2015. Collection method: clinical testing. Allele origin: germline. Observed: 2 variant alleles.
Comment: BP4_moderate, PM2_supporting

NM_001267550.2(TTN):c.21312T>G (p.Asn7104Lys)

Genes: TTN (titin; minus strand), LOC126806428 (BRD4-independent group 4 enhancer GRCh37_chr2:179588362-179589561; plus strand). Cytogenetic location: 2q31.2.
Variant type: single nucleotide variant.
Coding change: c.21312T>G on transcript NM_001267550.2 (MANE Select); coding-DNA position 21312, T replaced by G.
Protein change: p.Asn7104Lys; replaces asparagine 7104 with lysine.
Molecular consequence: missense variant. On other transcripts: intron variant (3).
Genome position (GRCh38, 1-based): chr2:178,723,947, A>C on the plus strand (T>G on the coding strand, the complement: TTN is on the minus strand). VCF-style: chr2-178723947-A-C. GRCh37 (hg19) VCF-style: chr2-179588674-A-C.
Other names: p.Asn5860Lys; c.20361T>G, p.Asn6787Lys (NM_001256850.1); c.17580T>G, p.Asn5860Lys (NM_133378.4); c.13282+14135T>G (NM_003319.4); c.13858+14135T>G (NM_133437.4); c.13657+14135T>G (NM_133432.3); short protein forms N5860K, N6787K, N7104K.
Identifiers: ClinVar variation 4540756 (VCV004540756.1).